The following is an entry in ClinVar:

ClinVar aggregate classification (germline): Conflicting classifications of pathogenicity. Review status: criteria provided, conflicting classifications (1 of 4 stars). 2 submissions from 2 submitters: Uncertain significance (1); Likely benign (1). Last evaluated 2025-05-23.

Conditions:
Tumor predisposition syndrome 3 (TPDS3). Also called: Glioma susceptibility 9; LONG TELOMERE SYNDROME, POT1-RELATED; POT1 Tumor Predisposition; Melanoma, cutaneous malignant, susceptibility to, 10. Identifiers: Orphanet 618, MedGen C4014476, MONDO:0014368, OMIM 615848.
Hereditary cancer-predisposing syndrome. Also called: Neoplastic Syndromes, Hereditary; Hereditary Cancer Syndrome; Hereditary neoplastic syndrome; Tumor predisposition. Identifiers: Orphanet 140162, MedGen C0027672, MeSH D009386, MONDO:0015356.

Allele frequency attached by ClinVar (database versions not stated): gnomAD exomes below 0.00001; TOPMed 0.00001; gnomAD 0.00002.
gnomAD v4.1: 5 of 1,601,110 alleles (0.00031%); highest among the groups gnomAD compares: African/African-American, 0.0054%; no homozygotes.

Submissions (2):

Labcorp Genetics (formerly Invitae), Labcorp
Classification: Likely benign for Tumor predisposition syndrome 3. Last evaluated: 2025-05-23. Review status: criteria provided, single submitter. Criteria: Invitae Variant Classification Sherloc (09022015). Collection method: clinical testing. Allele origin: germline.

Ambry Genetics
Classification: Uncertain significance for Hereditary cancer-predisposing syndrome. Last evaluated: 2023-11-15. Review status: criteria provided, single submitter. Criteria: Ambry Variant Classification Scheme 2023. Collection method: clinical testing. Allele origin: germline.
Comment: The c.950-3T>C intronic variant results from a T to C substitution 3 nucleotides upstream from coding exon 8 in the POT1 gene. This nucleotide position is well conserved in available vertebrate species. In silico splice site analysis predicts that this alteration will not have any significant effect on splicing. Since supporting evidence is limited at this time, the clinical significance of this alteration remains unclear.

NM_015450.3(POT1):c.950-3T>C

Gene: POT1 (protection of telomeres 1; minus strand). Cytogenetic location: 7q31.33.
Variant type: single nucleotide variant.
Coding change: c.950-3T>C on transcript NM_015450.3 (MANE Select); 3 bases into the intron before coding-DNA position 950, T replaced by C.
Molecular consequence: intron variant.
Genome position (GRCh38, 1-based): chr7:124,847,001, A>G on the plus strand (T>C on the coding strand, the complement: POT1 is on the minus strand). VCF-style: chr7-124847001-A-G. GRCh37 (hg19) VCF-style: chr7-124487055-A-G.
Other names: c.557-3T>C (NM_001042594.2).
Identifiers: ClinVar variation 1026122 (VCV001026122.9), dbSNP rs1345963992, ClinGen allele CA832772620.